The following is an entry in ClinVar:

ClinVar aggregate classification (germline): Pathogenic (1 of 4 stars; one submission).

Conditions:
Cohen syndrome (COH1). Also called: Cutis verticis gyrata, retinitis pigmentosa, and sensorineural deafness; PEPPER SYNDROME. Identifiers: Orphanet 193, MedGen C0265223, MONDO:0008999, OMIM 216550.

Submission:

Labcorp Genetics (formerly Invitae), Labcorp
Classification: Pathogenic for Cohen syndrome. Last evaluated: 2022-10-27. Review status: criteria provided, single submitter. Criteria: Invitae Variant Classification Sherloc (09022015). Collection method: clinical testing. Allele origin: unknown.
Comment: For these reasons, this variant has been classified as Pathogenic. This variant has not been reported in the literature in individuals affected with VPS13B-related conditions. This variant is a gross deletion of the genomic region encompassing exon(s) 41-42 of the VPS13B gene. This deletion is out-of-frame, and is expected to create a premature termination codon and result in an absent or disrupted protein product. Loss-of-function variants in VPS13B are known to be pathogenic (PMID: 15141358, 16648375, 20461111).

Literature cited by the submitters: PubMed 15141358; PubMed 16648375; PubMed 20461111.

NC_000008.10:g.(?_100788983)_(100791279_?)del

Gene: VPS13B (vacuolar protein sorting 13 homolog B; plus strand). Cytogenetic location: 8q22.2.
Variant type: Deletion.
Identifiers: ClinVar variation 3245459 (VCV003245459.1).